The following is an entry in ClinVar:

NM_000429.3(MAT1A):c.90G>A (p.Pro30=)

Gene: MAT1A (methionine adenosyltransferase 1A; minus strand). Cytogenetic location: 10q22.3.
Variant type: single nucleotide variant.
Coding change: c.90G>A on transcript NM_000429.3 (MANE Select); coding-DNA position 90, G replaced by A.
Protein change: p.Pro30=; no amino-acid change (proline 30 retained).
Molecular consequence: synonymous variant.
Genome position (GRCh38, 1-based): chr10:80,289,334, C>T on the plus strand (G>A on the coding strand, the complement: MAT1A is on the minus strand). VCF-style: chr10-80289334-C-T. GRCh37 (hg19) VCF-style: chr10-82049090-C-T.
Identifiers: ClinVar variation 3257698 (VCV003257698.19).

ClinVar aggregate classification (germline): Conflicting classifications of pathogenicity. Review status: criteria provided, conflicting classifications (1 of 4 stars). 2 submissions from 2 submitters: Uncertain significance (1); Likely benign (1). Last evaluated 2025-09-20.

Conditions:
Hepatic methionine adenosyltransferase deficiency. Also called: MAT I/III DEFICIENCY; Deficiency of methionine adenosyltransferase; Isolated Persistent Hypermethioninemia; Methionine adenosyltransferase deficiency. Identifiers: Orphanet 168598, MedGen C0268621, MeSH C564683, MONDO:0009607, OMIM 250850.

Submissions (2):

Labcorp Genetics (formerly Invitae), Labcorp
Classification: Uncertain significance for Hepatic methionine adenosyltransferase deficiency. Last evaluated: 2025-09-20. Review status: criteria provided, single submitter. Criteria: Invitae Variant Classification Sherloc (09022015). Collection method: clinical testing. Allele origin: germline.
Comment: This sequence change affects codon 30 of the MAT1A mRNA. It is a 'silent' change, meaning that it does not change the encoded amino acid sequence of the MAT1A protein. It affects a nucleotide within the consensus splice site. This variant is present in population databases (rs757610779, gnomAD 0.004%). This variant has not been reported in the literature in individuals affected with MAT1A-related conditions. ClinVar contains an entry for this variant (Variation ID: 3257698). Algorithms developed to predict the effect of sequence changes on RNA splicing suggest that this variant is not likely to affect RNA splicing. In summary, the available evidence is currently insufficient to determine the role of this variant in disease. Therefore, it has been classified as a Variant of Uncertain Significance.

CeGaT Center for Human Genetics Tuebingen
Classification: Likely benign. Last evaluated: 2024-07-01. Review status: criteria provided, single submitter. Criteria: CeGaT Center For Human Genetics Tuebingen Variant Classification Criteria Version 2. Collection method: clinical testing. Allele origin: germline. Affected: yes. Observed: 1 variant allele.
Comment: MAT1A: BP4, BP7